The following is an entry in ClinVar:

ClinVar aggregate classification (germline): Conflicting classifications of pathogenicity. Review status: criteria provided, conflicting classifications (1 of 4 stars). 4 submissions from 4 submitters: Uncertain significance (3); Likely benign (1). Last evaluated 2025-11-17.

Conditions:
Norman-Roberts syndrome (LIS2). Also called: Lissencephaly 2 (Norman-Roberts type). Identifiers: Orphanet 89844, MedGen C0796089, MONDO:0009760, OMIM 257320.
Familial temporal lobe epilepsy 7. Identifiers: Orphanet 101046, MedGen C4225327, MONDO:0014639, OMIM 616436.
Inborn genetic diseases. Identifiers: MedGen C0950123, MeSH D030342.

Allele frequency attached by ClinVar (database versions not stated): gnomAD 0.00005; TOPMed 0.00005; ESP Exome Variant Server 0.00008.
gnomAD v4.1: 23 of 1,614,066 alleles (0.0014%); highest among the groups gnomAD compares: African/African-American, 0.011%; no homozygotes.

Submissions (4):

Labcorp Genetics (formerly Invitae), Labcorp
Classification: Likely benign for Familial temporal lobe epilepsy 7; Norman-Roberts syndrome. Last evaluated: 2025-11-17. Review status: criteria provided, single submitter. Criteria: Invitae Variant Classification Sherloc (09022015). Collection method: clinical testing. Allele origin: germline.

GeneDx
Classification: Uncertain significance. Last evaluated: 2024-10-22. Review status: criteria provided, single submitter. Criteria: GeneDx Variant Classification Process June 2021. Collection method: clinical testing. Allele origin: germline. Affected: yes.
Comment: Not observed at significant frequency in large population cohorts (gnomAD); In silico analysis indicates that this missense variant does not alter protein structure/function; Has not been previously published as pathogenic or benign to our knowledge

Ambry Genetics
Classification: Uncertain significance for Inborn genetic diseases. Last evaluated: 2022-09-28. Review status: criteria provided, single submitter. Criteria: Ambry Variant Classification Scheme 2023. Collection method: clinical testing. Allele origin: germline.

Blueprint Genetics
Classification: Uncertain significance. Last evaluated: 2021-01-12. Review status: criteria provided, single submitter. Criteria: ACMG Guidelines, 2015. Collection method: clinical testing. Allele origin: germline.

NM_005045.4(RELN):c.8077G>A (p.Gly2693Arg)

Gene: RELN (reelin; minus strand). Cytogenetic location: 7q22.1.
Variant type: single nucleotide variant.
Coding change: c.8077G>A on transcript NM_005045.4 (MANE Select); coding-DNA position 8077, G replaced by A.
Protein change: p.Gly2693Arg; replaces glycine 2693 with arginine.
Molecular consequence: missense variant.
Genome position (GRCh38, 1-based): chr7:103,515,227, C>T on the plus strand (G>A on the coding strand, the complement: RELN is on the minus strand). VCF-style: chr7-103515227-C-T. GRCh37 (hg19) VCF-style: chr7-103155674-C-T.
Other names: c.8077G>A, p.Gly2693Arg (NM_173054.3); short protein forms G2693R.
Identifiers: ClinVar variation 1981758 (VCV001981758.7), dbSNP rs377549748, ClinGen allele CA163924375.